The following is an entry in ClinVar:

ClinVar aggregate classification (germline): Pathogenic/Likely pathogenic. Review status: criteria provided, multiple submitters, no conflicts (2 of 4 stars). 7 submissions from 7 submitters: Pathogenic (4); Likely pathogenic (2). 1 of the submissions does not count toward it. Last evaluated 2025-11-13.

Conditions:
CFTR-related disorder (CFTR-RD). Also called: CFTR-related disorders; CFTR-related condition. Identifiers: MedGen C5924204, MONDO:7770004.
Bronchiectasis with or without elevated sweat chloride 1 (BESC1). Also called: Cystic Fibrosis-Like Syndrome. Identifiers: Orphanet 60033, MedGen C2749757, MONDO:0008887, OMIM 211400.
Hereditary pancreatitis (PCTT). Also called: PRSS1-Related Hereditary Pancreatitis; Hereditary chronic pancreatitis. Identifiers: Orphanet 676, MedGen C0238339, MONDO:0008185, OMIM 167800.
Cystic fibrosis (CF). Also called: MUCOVISCIDOSIS. Identifiers: Orphanet 586, MedGen C0010674, MONDO:0009061, OMIM 219700. Disease mechanism: loss of function.
Congenital bilateral aplasia of vas deferens from CFTR mutation (CBAVD). Identifiers: Orphanet 48, MedGen C0403814, MONDO:0010178, OMIM 277180. Disease mechanism: loss of function.

Allele frequency attached by ClinVar (database versions not stated): gnomAD exomes below 0.00001.
gnomAD v4.1: 3 of 1,614,030 alleles (0.00019%); highest among the groups gnomAD compares: Non-Finnish European, 0.00025%; no homozygotes.

Submissions (7):

Natera, Inc.
Classification: Likely pathogenic for CFTR-related disorders. Last evaluated: 2025-11-13. Review status: criteria provided, single submitter. Criteria: Natera Variant Classification Schema (03/2026). Collection method: clinical testing. Allele origin: germline.
Comment: The c.4417G>T variant in CFTR is a nonsense variant predicted to introduce a stop codon at amino acid 1473. This variant is expected to result in nonsense mediated decay, truncation, or a dysfunctional protein product. This variant is rare in the general population with a frequency below the threshold expected for the associated phenotype(s). This variant has been observed in one or more individuals affected with the associated recessive disease, as either homozygous or compound heterozygous with a second variant (PMID: 19318035). Given the available evidence, this variant is classified as Likely Pathogenic.

Women's Health and Genetics/Laboratory Corporation of America, LabCorp
Classification: Pathogenic for Cystic fibrosis. Last evaluated: 2025-10-13. Review status: criteria provided, single submitter. Criteria: LabCorp Variant Classification Summary - May 2015. Collection method: clinical testing. Allele origin: germline.
Comment: Variant summary: CFTR c.4417G>T (p.Glu1473X) results in a premature termination codon, predicted to cause a truncation of the encoded protein or absence of the protein, which are commonly known mechanisms for disease. Variant(s) downsteam of this position has been classified Pathogenic by our lab (example: c.4426C>T, p.Gln1476Ter). The variant was absent in 250942 control chromosomes. The variant, c.4417G>T, has been reported in the literature in compound heterozygote individuals with another pathogenic variant in trans, who were affected by CBAVD or Cystic Fibrosis (Ratbi 2007, Seia 2009, Lucarelli 2017). The following publications have been ascertained in the context of this evaluation (PMID: 28736296, 17329263, 19318035). ClinVar contains an entry for this variant (Variation ID: 53946). Based on the evidence outlined above, the variant was classified as pathogenic.

Ambry Genetics
Classification: Likely pathogenic for Cystic fibrosis. Last evaluated: 2025-04-21. Review status: criteria provided, single submitter. Criteria: Ambry Variant Classification Scheme 2023. Collection method: clinical testing. Allele origin: germline.
Comment: The p.E1473* variant (also known as c.4417G>T), located in coding exon 27 of the CFTR gene, results from a G to T substitution at nucleotide position 4417. This changes the amino acid from a glutamic acid to a stop codon within coding exon 27. This alteration occurs at the 3' terminus of theCFTR gene, is not expected to trigger nonsense-mediated mRNA decay, and impacts the last 8 amino acids of the protein. However, premature stop codons are typically deleterious in nature and the impacted region is critical for protein function (Ambry internal data). This variant has been identified in the homozygous state and/or in conjunction with other CFTR variant(s) in individual(s) with features consistent with cystic fibrosis (Seia M et al. Clin Biochem, 2009 May;42:611-6). This variant is considered to be rare based on population cohorts in the Genome Aggregation Database (gnomAD). Based on the majority of available evidence to date, this variant is likely to be pathogenic.

ARUP Laboratories, Molecular Genetics and Genomics, ARUP Laboratories
Classification: Pathogenic for Cystic fibrosis; Bronchiectasis with or without elevated sweat chloride 1; Hereditary pancreatitis; Congenital bilateral aplasia of vas deferens from CFTR mutation. Last evaluated: 2025-04-14. Review status: criteria provided, single submitter. Criteria: ARUP Molecular Germline Variant Investigation Process 2024. Collection method: clinical testing. Allele origin: germline.
Comment: The CFTR c.4417G>T; p.Glu1473Ter variant (rs397508716, ClinVar Variation ID: 53946) is reported in the literature in individuals with suspected cystic fibrosis or congenital absence of the vas deferens, including compound heterozygous individuals (Lucarelli 2017, Ratbi 2007, Reiner 2023). Additionally, this variant was found in a compound heterozygous individual exhibiting intermediate sweat chloride levels (Seia 2009). This variant is absent from the Genome Aggregation Database (v2.1.1), indicating it is not a common polymorphism. This variant results in a premature termination codon in the last exon of the CFTR gene. While this may not lead to nonsense-mediated decay, it is expected to create a truncated protein. Based on available information, this variant is considered to be pathogenic with varying clinical consequences. References: Lucarelli M et al. A New Targeted CFTR Mutation Panel Based on Next-Generation Sequencing Technology. J Mol Diagn. 2017 Sep;19(5):788-800. PMID: 28736296. Ratbi I et al. Detection of cystic fibrosis transmembrane conductance regulator (CFTR) gene rearrangements enriches the mutation spectrum in congenital bilateral absence of the vas deferens and impacts on genetic counselling. Hum Reprod. 2007 May;22(5):1285-91. PMID: 17329263. Reiner J et al. Incidental molecular diagnoses and heterozygous risk alleles in a carrier screening cohort. Genet Med. 2023 Feb;25(2):100317. PMID: 36459106. Seia M et al. Borderline sweat test: Utility and limits of genetic analysis for the diagnosis of cystic fibrosis. Clin Biochem. 2009 May;42(7-8):611-6. PMID: 19318035.

Labcorp Genetics (formerly Invitae), Labcorp
Classification: Pathogenic for Cystic fibrosis. Last evaluated: 2023-10-04. Review status: criteria provided, single submitter. Criteria: Invitae Variant Classification Sherloc (09022015). Collection method: clinical testing. Allele origin: germline.
Comment: This sequence change creates a premature translational stop signal (p.Glu1473*) in the CFTR gene. While this is not anticipated to result in nonsense mediated decay, it is expected to disrupt the last 8 amino acid(s) of the CFTR protein. This variant is not present in population databases (gnomAD no frequency). This premature translational stop signal has been observed in individual(s) with clinical features of CFTR-related conditions (PMID: 17329263, 19318035, 28736296). ClinVar contains an entry for this variant (Variation ID: 53946). This variant disrupts a region of the CFTR protein in which other variant(s) (p.Thr1478Arg) have been determined to be pathogenic (PMID: 26277102, 32777524). This suggests that this is a clinically significant region of the protein, and that variants that disrupt it are likely to be disease-causing. For these reasons, this variant has been classified as Pathogenic.

Fulgent Genetics
Classification: Pathogenic for Hereditary pancreatitis; Bronchiectasis with or without elevated sweat chloride 1; Cystic fibrosis; Congenital bilateral aplasia of vas deferens from CFTR mutation. Last evaluated: 2022-02-22. Review status: criteria provided, single submitter. Criteria: ACMG Guidelines, 2015. Collection method: clinical testing. Allele origin: unknown.

ClinVar Staff, National Center for Biotechnology Information (NCBI)
No classification provided. Condition: CFTR-related disorders. Review status: no classification provided. Collection method: literature only. Allele origin: germline. Affected: yes. Not counted in ClinVar's aggregate classification.

Literature cited by the submitters: PubMed 19318035 (cited by 4 submitters); PubMed 17329263 (cited by 3 submitters); PubMed 28736296 (cited by Women's Health and Genetics/Laboratory Corporation of America, LabCorp and Labcorp Genetics (formerly Invitae), Labcorp); PubMed 26277102 (cited by Labcorp Genetics (formerly Invitae), Labcorp); PubMed 32777524 (cited by Labcorp Genetics (formerly Invitae), Labcorp).

NM_000492.4(CFTR):c.4417G>T (p.Glu1473Ter)

Genes: CFTR (CF transmembrane conductance regulator; plus strand), LOC111674477 (CFTR intron 23 enhancer; plus strand). Cytogenetic location: 7q31.2.
Variant type: single nucleotide variant.
Coding change: c.4417G>T on transcript NM_000492.4 (MANE Select); coding-DNA position 4417, G replaced by T.
Protein change: p.Glu1473Ter; replaces glutamic acid 1473 with a stop codon.
Molecular consequence: nonsense.
Genome position (GRCh38, 1-based): chr7:117,667,082, G>T. VCF-style: chr7-117667082-G-T. GRCh37 (hg19) VCF-style: chr7-117307136-G-T.
Other names: short protein forms E1473*.
Identifiers: ClinVar variation 53946 (VCV000053946.10), dbSNP rs397508716, ClinGen allele CA327487.